The following is an entry in ClinVar:

ClinVar aggregate classification (germline): Benign (0 of 4 stars; one submission).

Conditions:
PROX1-related disorder. Also called: PROX1-related condition.

Allele frequency attached by ClinVar (database versions not stated): ESP Exome Variant Server 0.00015; gnomAD exomes 0.00064; gnomAD 0.00097; TOPMed 0.00136; ExAC 0.00204; 1000 Genomes Project 30x 0.00390; 1000 Genomes Project 0.00399.
gnomAD v4.1: 1,142 of 1,614,116 alleles (0.071%); highest among the groups gnomAD compares: East Asian, 1.7%; 12 homozygotes.

Submission:

PreventionGenetics, part of Exact Sciences
Classification: Benign for PROX1-related condition. Last evaluated: 2019-05-28. Review status: no assertion criteria provided. Collection method: clinical testing. Allele origin: germline.
Comment: This variant is classified as benign based on ACMG/AMP sequence variant interpretation guidelines (Richards et al. 2015 PMID: 25741868, with internal and published modifications).

NM_001270616.2(PROX1):c.942G>C (p.Leu314=)

Gene: PROX1 (prospero homeobox 1; plus strand). Cytogenetic location: 1q32.3.
Variant type: single nucleotide variant.
Coding change: c.942G>C on transcript NM_001270616.2 (MANE Select); coding-DNA position 942, G replaced by C.
Protein change: p.Leu314=; no amino-acid change (leucine 314 retained).
Molecular consequence: synonymous variant.
Genome position (GRCh38, 1-based): chr1:213,997,477, G>C. VCF-style: chr1-213997477-G-C. GRCh37 (hg19) VCF-style: chr1-214170820-G-C.
Other names: c.942G>C, p.Leu314= (NM_002763.5).
Identifiers: ClinVar variation 3044289 (VCV003044289.2), dbSNP rs117278964, ClinGen allele CA1387935.